The following is an entry in ClinVar:

NM_000078.3(CETP):c.439A>C (p.Thr147Pro)

Gene: CETP (cholesteryl ester transfer protein; plus strand). Cytogenetic location: 16q13.
Variant type: single nucleotide variant.
Coding change: c.439A>C on transcript NM_000078.3 (MANE Select); coding-DNA position 439, A replaced by C.
Protein change: p.Thr147Pro; replaces threonine 147 with proline.
Molecular consequence: missense variant.
Genome position (GRCh38, 1-based): chr16:56,969,681, A>C. VCF-style: chr16-56969681-A-C. GRCh37 (hg19) VCF-style: chr16-57003593-A-C.
Other names: c.439A>C, p.Thr147Pro (NM_001286085.2); short protein forms T147P.
Identifiers: ClinVar variation 2807643 (VCV002807643.3), dbSNP rs1433520923, ClinGen allele CA395999674.

ClinVar aggregate classification (germline): Uncertain significance (1 of 4 stars; one submission).

Allele frequency attached by ClinVar (database versions not stated): gnomAD exomes below 0.00001; TOPMed below 0.00001.
gnomAD v4.1: 1 of 1,613,860 alleles (0.000062%); highest among the groups gnomAD compares: Non-Finnish European, 0.000085%; no homozygotes.

Submission:

Labcorp Genetics (formerly Invitae), Labcorp
Classification: Uncertain significance. Last evaluated: 2023-09-03. Review status: criteria provided, single submitter. Criteria: Invitae Variant Classification Sherloc (09022015). Collection method: clinical testing. Allele origin: germline.
Comment: An algorithm developed to predict the effect of missense changes on protein structure and function (PolyPhen-2) suggests that this variant is likely to be tolerated. This variant has not been reported in the literature in individuals affected with CETP-related conditions. This variant is present in population databases (no rsID available, gnomAD 0.0009%). This sequence change replaces threonine, which is neutral and polar, with proline, which is neutral and non-polar, at codon 147 of the CETP protein (p.Thr147Pro). In summary, the available evidence is currently insufficient to determine the role of this variant in disease. Therefore, it has been classified as a Variant of Uncertain Significance.